The following is an entry in ClinVar:

NM_001999.4(FBN2):c.4826C>G (p.Ser1609Cys)

Gene: FBN2 (fibrillin 2; minus strand). Cytogenetic location: 5q23.3.
Variant type: single nucleotide variant.
Coding change: c.4826C>G on transcript NM_001999.4 (MANE Select); coding-DNA position 4826, C replaced by G.
Protein change: p.Ser1609Cys; replaces serine 1609 with cysteine.
Molecular consequence: missense variant.
Genome position (GRCh38, 1-based): chr5:128,312,687, G>C on the plus strand (C>G on the coding strand, the complement: FBN2 is on the minus strand). VCF-style: chr5-128312687-G-C. GRCh37 (hg19) VCF-style: chr5-127648379-G-C.
Other names: short protein forms S1609C.
Identifiers: ClinVar variation 5006832 (VCV005006832.2).

ClinVar aggregate classification (germline): Uncertain significance (1 of 4 stars; one submission).

Conditions:
Congenital contractural arachnodactyly (CCA). Also called: BEALS SYNDROME; Beals-Hecht syndrome; Arthrogryposis, distal, type 9. Identifiers: Orphanet 115, MedGen C0220668, MONDO:0007363, OMIM 121050.
Macular degeneration, early-onset (EOMD). Identifiers: MedGen C4015286, MONDO:0014501, OMIM 616118.

Submission:

Juno Genomics, Hangzhou Juno Genomics, Inc
Classification: Uncertain significance for Congenital contractural arachnodactyly; Macular degeneration, early-onset. Review status: criteria provided, single submitter. Criteria: ACMG Guidelines, 2015. Collection method: clinical testing. Allele origin: germline.
Comment: Absent from controls (or at extremely low frequency if recessive) in Genome Aggregation Database.;Missense variant in a gene that has a low rate of benign missense variation.;Multiple lines of computational evidence support a deleterious effect on the gene or gene product.